The following is an entry in ClinVar:

ClinVar aggregate classification (germline): Uncertain significance (1 of 4 stars; one submission).

Conditions:
ALG1-congenital disorder of glycosylation. Also called: CDG Ik; CONGENITAL DISORDER OF GLYCOSYLATION, TYPE Ik; ALG1-CDG. Identifiers: Orphanet 79327, MedGen C2931005, MONDO:0012052, OMIM 608540.

Allele frequency attached by ClinVar (database versions not stated): gnomAD exomes below 0.00001 and 0.00001.
gnomAD v4.1: 10 of 1,601,014 alleles (0.00062%); highest among the groups gnomAD compares: Admixed American, 0.0017%; no homozygotes.

Submission:

Labcorp Genetics (formerly Invitae), Labcorp
Classification: Uncertain significance for ALG1-congenital disorder of glycosylation. Last evaluated: 2022-02-11. Review status: criteria provided, single submitter. Criteria: Invitae Variant Classification Sherloc (09022015). Collection method: clinical testing. Allele origin: germline.
Comment: In summary, the available evidence is currently insufficient to determine the role of this variant in disease. Therefore, it has been classified as a Variant of Uncertain Significance. Variants that disrupt the consensus splice site are a relatively common cause of aberrant splicing (PMID: 17576681, 9536098). Algorithms developed to predict the effect of sequence changes on RNA splicing suggest that this variant is not likely to affect RNA splicing. This variant has not been reported in the literature in individuals affected with ALG1-related conditions. The frequency data for this variant in the population databases is considered unreliable, as metrics indicate poor data quality at this position in the gnomAD database. This sequence change falls in intron 7 of the ALG1 gene. It does not directly change the encoded amino acid sequence of the ALG1 protein. It affects a nucleotide within the consensus splice site.

Literature cited by the submitters: PubMed 17576681; PubMed 9536098.

NM_019109.5(ALG1):c.863-3T>C

Gene: ALG1 (ALG1 chitobiosyldiphosphodolichol beta-mannosyltransferase; plus strand). Cytogenetic location: 16p13.3.
Variant type: single nucleotide variant.
Coding change: c.863-3T>C on transcript NM_019109.5 (MANE Select); 3 bases into the intron before coding-DNA position 863, T replaced by C.
Molecular consequence: intron variant.
Genome position (GRCh38, 1-based): chr16:5,079,061, T>C. VCF-style: chr16-5079061-T-C. GRCh37 (hg19) VCF-style: chr16-5129062-T-C.
Other names: c.530-3T>C (NM_001330504.2).
Identifiers: ClinVar variation 1497080 (VCV001497080.4), dbSNP rs1208866677, ClinGen allele CA620530269.